The following is an entry in ClinVar:

NM_020708.5(SLC12A5):c.3145C>T (p.Arg1049Cys)

Gene: SLC12A5 (solute carrier family 12 member 5; plus strand). Cytogenetic location: 20q13.12.
Variant type: single nucleotide variant.
Coding change: c.3145C>T on transcript NM_020708.5 (MANE Select); coding-DNA position 3145, C replaced by T.
Protein change: p.Arg1049Cys; replaces arginine 1049 with cysteine.
Molecular consequence: missense variant.
Genome position (GRCh38, 1-based): chr20:46,057,189, C>T. VCF-style: chr20-46057189-C-T. GRCh37 (hg19) VCF-style: chr20-44685828-C-T.
Other names: c.3214C>T, p.Arg1072Cys (NM_001134771.2); short protein forms R1049C, R1072C.
Identifiers: ClinVar variation 218378 (VCV000218378.7), dbSNP rs548424453, ClinGen allele CA214742.

ClinVar aggregate classification (germline): Uncertain significance. Review status: criteria provided, multiple submitters, no conflicts (2 of 4 stars). 5 submissions from 5 submitters: Uncertain significance (4). 1 of the submissions does not count toward it. Last evaluated 2026-02-18.

Conditions:
Developmental and epileptic encephalopathy, 34 (DEE34). Also called: Early infantile epileptic encephalopathy 34; SLC12A5-Related Epilepsy of Infancy with Migrating Focal Seizures. Identifiers: Orphanet 293181, MedGen C4225257, MONDO:0014718, OMIM 616645.
Epilepsy, idiopathic generalized, susceptibility to, 14 (EIG14). Identifiers: MedGen C4225245, MONDO:0014734, OMIM 616685.

Allele frequency attached by ClinVar (database versions not stated): gnomAD 0.00001 and 0.00002; TOPMed 0.00001; gnomAD exomes 0.00002 and 0.00005; ExAC 0.00007; 1000 Genomes Project 30x 0.00016; 1000 Genomes Project 0.00020.
gnomAD v4.1: 33 of 1,614,186 alleles (0.002%); highest among the groups gnomAD compares: South Asian, 0.015%; no homozygotes.

Submissions (5):

Women's Health and Genetics/Laboratory Corporation of America, LabCorp
Classification: Uncertain significance. Last evaluated: 2026-02-18. Review status: criteria provided, single submitter. Criteria: LabCorp Variant Classification Summary - May 2015. Collection method: clinical testing. Allele origin: germline.
Comment: Variant summary: SLC12A5 c.3214C>T (p.Arg1072Cys) results in a non-conservative amino acid change located in the SLC12A transporter, C-terminal domain (IPR018491) of the encoded protein sequence. Algorithms developed to predict the effect of missense changes on protein structure and function are either unavailable or do not agree on the potential impact of this missense change. The variant allele was found at a frequency of 5.2e-05 in 251288 control chromosomes (gnomAD). This frequency is not significantly higher than estimated for disease-causing variants in SLC12A5, allowing no conclusion about variant significance. c.3214C>T has been observed in the heterozygous state in individuals affected with idiopathic generalized epilepsy and autism spectrum disorder (e.g. Kahle_2014 and Merner_2015). These reports do not provide unequivocal conclusions about association of the variant with Developmental And Epileptic Encephalopathy, 34. At least one publication reports experimental evidence evaluating an impact on protein function, however, does not allow convincing conclusions about the variant effect (Merner_2015). The following publications have been ascertained in the context of this evaluation (PMID: 24928908, 26528127). ClinVar contains an entry for this variant (Variation ID: 218378). Based on the evidence outlined above, the variant was classified as uncertain significance.

Blueprint Genetics
Classification: Uncertain significance. Last evaluated: 2024-10-01. Review status: criteria provided, single submitter. Criteria: ACMG Guidelines, 2015. Collection method: clinical testing. Allele origin: germline.

Fulgent Genetics
Classification: Uncertain significance for Developmental and epileptic encephalopathy, 34; Epilepsy, idiopathic generalized, susceptibility to, 14. Last evaluated: 2024-04-11. Review status: criteria provided, single submitter. Criteria: ACMG Guidelines, 2015. Collection method: clinical testing. Allele origin: germline.

Labcorp Genetics (formerly Invitae), Labcorp
Classification: Uncertain significance for Developmental and epileptic encephalopathy, 34. Last evaluated: 2022-04-15. Review status: criteria provided, single submitter. Criteria: Invitae Variant Classification Sherloc (09022015). Collection method: clinical testing. Allele origin: germline.
Comment: This sequence change replaces arginine, which is basic and polar, with cysteine, which is neutral and slightly polar, at codon 1049 of the SLC12A5 protein (p.Arg1049Cys). This variant is present in population databases (rs548424453, gnomAD 0.02%). This missense change has been observed in individual(s) with SLC12A5-related conditions (PMID: 24928908, 26528127). ClinVar contains an entry for this variant (Variation ID: 218378). Algorithms developed to predict the effect of missense changes on protein structure and function are either unavailable or do not agree on the potential impact of this missense change (SIFT: "Deleterious"; PolyPhen-2: "Possibly Damaging"; Align-GVGD: "Class C0"). Experimental studies have shown that this missense change affects SLC12A5 function (PMID: 24928908). In summary, the available evidence is currently insufficient to determine the role of this variant in disease. Therefore, it has been classified as a Variant of Uncertain Significance.

OMIM
Classification: risk factor for EPILEPSY, IDIOPATHIC GENERALIZED, SUSCEPTIBILITY TO, 14. Last evaluated: 2014-07-01. Review status: no assertion criteria provided. Collection method: literature only. Allele origin: germline. Not counted in ClinVar's aggregate classification.

Literature cited by the submitters: PubMed 24928908 (cited by 3 submitters); PubMed 26528127 (cited by Women's Health and Genetics/Laboratory Corporation of America, LabCorp and Labcorp Genetics (formerly Invitae), Labcorp).